The following is an entry in ClinVar:

NM_005609.4(PYGM):c.569G>A (p.Trp190Ter)

Gene: PYGM (glycogen phosphorylase, muscle associated; minus strand). Cytogenetic location: 11q13.1.
Variant type: single nucleotide variant.
Coding change: c.569G>A on transcript NM_005609.4 (MANE Select); coding-DNA position 569, G replaced by A.
Protein change: p.Trp190Ter; replaces tryptophan 190 with a stop codon.
Molecular consequence: nonsense.
Genome position (GRCh38, 1-based): chr11:64,757,870, C>T on the plus strand (G>A on the coding strand, the complement: PYGM is on the minus strand). VCF-style: chr11-64757870-C-T. GRCh37 (hg19) VCF-style: chr11-64525342-C-T.
Other names: c.305G>A, p.Trp102Ter (NM_001164716.1); short protein forms W102*, W190*.
Identifiers: ClinVar variation 1453638 (VCV001453638.6), dbSNP rs2135839308, ClinGen allele CA381107926.

ClinVar aggregate classification (germline): Pathogenic (1 of 4 stars; one submission).

Conditions:
Glycogen storage disease, type V (GSD5). Also called: PYGM DEFICIENCY; MCARDLE DISEASE; MUSCLE GLYCOGEN PHOSPHORYLASE DEFICIENCY; MYOPHOSPHORYLASE DEFICIENCY; McArdle type glycogen storage disease. Identifiers: Orphanet 368, MedGen C0017924, MONDO:0009293, OMIM 232600.

Submission:

Labcorp Genetics (formerly Invitae), Labcorp
Classification: Pathogenic for Glycogen storage disease, type V. Last evaluated: 2021-07-28. Review status: criteria provided, single submitter. Criteria: Invitae Variant Classification Sherloc (09022015). Collection method: clinical testing. Allele origin: germline.
Comment: This variant has not been reported in the literature in individuals affected with PYGM-related conditions. This variant is not present in population databases (ExAC no frequency). This sequence change creates a premature translational stop signal (p.Trp190*) in the PYGM gene. It is expected to result in an absent or disrupted protein product. Loss-of-function variants in PYGM are known to be pathogenic (PMID: 8316268, 16786513). For these reasons, this variant has been classified as Pathogenic.

Literature cited by the submitters: PubMed 8316268; PubMed 16786513.